The following is an entry in ClinVar:

NM_003737.4(DCHS1):c.4378G>C (p.Ala1460Pro)

Gene: DCHS1 (dachsous cadherin-related 1; minus strand). Cytogenetic location: 11p15.4.
Variant type: single nucleotide variant.
Coding change: c.4378G>C on transcript NM_003737.4 (MANE Select); coding-DNA position 4378, G replaced by C.
Protein change: p.Ala1460Pro; replaces alanine 1460 with proline.
Molecular consequence: missense variant.
Genome position (GRCh38, 1-based): chr11:6,630,416, C>G on the plus strand (G>C on the coding strand, the complement: DCHS1 is on the minus strand). VCF-style: chr11-6630416-C-G. GRCh37 (hg19) VCF-style: chr11-6651647-C-G.
Other names: c.4378G>C (NM_003737.2); short protein forms A1460P.
Identifiers: ClinVar variation 1311650 (VCV001311650.6), dbSNP rs1262227131, ClinGen allele CA379405536.
Genomic context (GRCh38, chr11:6,630,416, plus strand): 5'-CCTGGCGCAGCAGGCGGTAGCGCACGTCGCTATTGGGGCCGGGGCCGTCGGCGTCCGACG[C>G]GCGGAAAGTGTACAGCGCTGCGCCGGGCTCCGGGTTCTCTGGCAGCGCCAGCGCCAGCGG-3'
Protein context (NP_003728.1, residues 1450-1470): EPGAALYTFR[Ala1460Pro]SDADGPGPNS

ClinVar aggregate classification (germline): Uncertain significance. Review status: criteria provided, multiple submitters, no conflicts (2 of 4 stars). 3 submissions from 3 submitters: Uncertain significance (3). Last evaluated 2025-10-15.

Conditions:
Inborn genetic diseases. Identifiers: MedGen C0950123, MeSH D030342.
DCHS1-related disorder. Also called: DCHS1-related condition.

Allele frequency attached by ClinVar (database versions not stated): gnomAD 0.00001; TOPMed 0.00002.

Submissions (3):

Labcorp Genetics (formerly Invitae), Labcorp
Classification: Uncertain significance. Last evaluated: 2025-10-15. Review status: criteria provided, single submitter. Criteria: Invitae Variant Classification Sherloc (09022015). Collection method: clinical testing. Allele origin: germline.
Comment: This sequence change replaces alanine, which is neutral and non-polar, with proline, which is neutral and non-polar, at codon 1460 of the DCHS1 protein (p.Ala1460Pro). This variant is not present in population databases (gnomAD no frequency). This variant has not been reported in the literature in individuals affected with DCHS1-related conditions. ClinVar contains an entry for this variant (Variation ID: 1311650). Invitae Evidence Modeling of protein sequence and biophysical properties (such as structural, functional, and spatial information, amino acid conservation, physicochemical variation, residue mobility, and thermodynamic stability) has been performed for this missense variant. However, the output from this modeling did not meet the statistical confidence thresholds required to predict the impact of this variant on DCHS1 protein function. In summary, the available evidence is currently insufficient to determine the role of this variant in disease. Therefore, it has been classified as a Variant of Uncertain Significance.

Ambry Genetics
Classification: Uncertain significance for Inborn genetic diseases. Last evaluated: 2025-06-24. Review status: criteria provided, single submitter. Criteria: Ambry Variant Classification Scheme 2023. Collection method: clinical testing. Allele origin: germline.

GeneDx
Classification: Uncertain significance. Last evaluated: 2020-01-30. Review status: criteria provided, single submitter. Criteria: GeneDx Variant Classification Process June 2021. Collection method: clinical testing. Allele origin: germline. Affected: yes.
Comment: In silico analysis supports that this missense variant has a deleterious effect on protein structure/function; Has not been previously published as pathogenic or benign to our knowledge